The following is an entry in ClinVar:

NM_172364.5(CACNA2D4):c.3328G>A (p.Gly1110Ser)

Gene: CACNA2D4 (calcium voltage-gated channel auxiliary subunit alpha2delta 4; minus strand). Cytogenetic location: 12p13.33.
Variant type: single nucleotide variant.
Coding change: c.3328G>A on transcript NM_172364.5 (MANE Select); coding-DNA position 3328, G replaced by A.
Protein change: p.Gly1110Ser; replaces glycine 1110 with serine.
Molecular consequence: missense variant.
Genome position (GRCh38, 1-based): chr12:1,793,741, C>T on the plus strand (G>A on the coding strand, the complement: CACNA2D4 is on the minus strand). VCF-style: chr12-1793741-C-T. GRCh37 (hg19) VCF-style: chr12-1902907-C-T.
Other names: short protein forms G1110S.
Identifiers: ClinVar variation 1922836 (VCV001922836.6), dbSNP rs375689514, ClinGen allele CA6385947.

ClinVar aggregate classification (germline): Uncertain significance. Review status: criteria provided, multiple submitters, no conflicts (2 of 4 stars). 2 submissions from 2 submitters: Uncertain significance (2). Last evaluated 2024-05-06.

Allele frequency attached by ClinVar (database versions not stated): ExAC 0.00003; gnomAD 0.00003; TOPMed 0.00004.
gnomAD v4.1: 32 of 1,613,070 alleles (0.002%); highest among the groups gnomAD compares: African/African-American, 0.0027%; no homozygotes.

Submissions (2):

Labcorp Genetics (formerly Invitae), Labcorp
Classification: Uncertain significance. Last evaluated: 2024-05-06. Review status: criteria provided, single submitter. Criteria: Invitae Variant Classification Sherloc (09022015). Collection method: clinical testing. Allele origin: germline.
Comment: This sequence change replaces glycine, which is neutral and non-polar, with serine, which is neutral and polar, at codon 1110 of the CACNA2D4 protein (p.Gly1110Ser). This variant is present in population databases (rs375689514, gnomAD 0.02%). This variant has not been reported in the literature in individuals affected with CACNA2D4-related conditions. ClinVar contains an entry for this variant (Variation ID: 1922836). An algorithm developed to predict the effect of missense changes on protein structure and function (PolyPhen-2) suggests that this variant is likely to be disruptive. In summary, the available evidence is currently insufficient to determine the role of this variant in disease. Therefore, it has been classified as a Variant of Uncertain Significance.

Blueprint Genetics
Classification: Uncertain significance. Last evaluated: 2024-03-28. Review status: criteria provided, single submitter. Criteria: ACMG Guidelines, 2015. Collection method: clinical testing. Allele origin: germline.